The following is an entry in ClinVar:

ClinVar aggregate classification (germline): Uncertain significance (1 of 4 stars; one submission).

Conditions:
Gingival disorder. Also called: Gingival disease. Identifiers: MedGen C0017563, MONDO:0002021.

Submission:

Labcorp Genetics (formerly Invitae), Labcorp
Classification: Uncertain significance for Gingival disorder. Last evaluated: 2024-09-03. Review status: criteria provided, single submitter. Criteria: Invitae Variant Classification Sherloc (09022015). Collection method: clinical testing. Allele origin: germline.
Comment: This sequence change replaces glycine, which is neutral and non-polar, with alanine, which is neutral and non-polar, at codon 21 of the FPR1 protein (p.Gly21Ala). This variant is not present in population databases (gnomAD no frequency). This variant has not been reported in the literature in individuals affected with FPR1-related conditions. An algorithm developed to predict the effect of missense changes on protein structure and function outputs the following: PolyPhen-2: "Benign". The alanine amino acid residue is found in multiple mammalian species, which suggests that this missense change does not adversely affect protein function. In summary, the available evidence is currently insufficient to determine the role of this variant in disease. Therefore, it has been classified as a Variant of Uncertain Significance.

NM_002029.4(FPR1):c.62G>C (p.Gly21Ala)

Gene: FPR1 (formyl peptide receptor 1; minus strand). Cytogenetic location: 19q13.41.
Variant type: single nucleotide variant.
Coding change: c.62G>C on transcript NM_002029.4 (MANE Select); coding-DNA position 62, G replaced by C.
Protein change: p.Gly21Ala; replaces glycine 21 with alanine.
Molecular consequence: missense variant.
Genome position (GRCh38, 1-based): chr19:51,746,933, C>G on the plus strand (G>C on the coding strand, the complement: FPR1 is on the minus strand). VCF-style: chr19-51746933-C-G. GRCh37 (hg19) VCF-style: chr19-52250186-C-G.
Other names: c.62G>C, p.Gly21Ala (NM_001193306.2); short protein forms G21A.
Identifiers: ClinVar variation 3664408 (VCV003664408.2).
Genomic context (GRCh38, chr19:51,746,933, plus strand): 5'-ACCCCGAGGACAAAGGTGACTGCAAATACCAGATAAGTGATGATATCCAGGAAGAGATAG[C>G]CAGCAGATACAGCAGGTGTCCCTCCAGAGATGTTCGTGGGGAGAGAGGAATTTGTCTCCA-3'
Protein context (NP_002020.1, residues 11-31): ISGGTPAVSA[Gly21Ala]YLFLDIITYL